The following is an entry in ClinVar:

NM_006006.6(ZBTB16):c.1995G>A (p.Lys665=)

Gene: ZBTB16 (zinc finger and BTB domain containing 16; plus strand). Cytogenetic location: 11q23.2.
Variant type: single nucleotide variant.
Coding change: c.1995G>A on transcript NM_006006.6 (MANE Select); coding-DNA position 1995, G replaced by A.
Protein change: p.Lys665=; no amino-acid change (lysine 665 retained).
Molecular consequence: synonymous variant.
Genome position (GRCh38, 1-based): chr11:114,250,528, G>A. VCF-style: chr11-114250528-G-A. GRCh37 (hg19) VCF-style: chr11-114121250-G-A.
Other names: c.1995G>A, p.Lys665= (NM_001018011.3, NM_001354750.2, NM_001354751.2); c.1908G>A, p.Lys636= (NM_001354752.1).
Identifiers: ClinVar variation 3388530 (VCV003388530.14).

ClinVar aggregate classification (germline): Likely benign (1 of 4 stars; one submission).

gnomAD v4.1: 254 of 1,614,158 alleles (0.016%); highest among the groups gnomAD compares: African/African-American, 0.25%; 1 homozygote.

Submission:

CeGaT Center for Human Genetics Tuebingen
Classification: Likely benign. Last evaluated: 2024-10-01. Review status: criteria provided, single submitter. Criteria: CeGaT Center For Human Genetics Tuebingen Variant Classification Criteria Version 2. Collection method: clinical testing. Allele origin: germline. Affected: yes. Observed: 1 variant allele.
Comment: ZBTB16: BP4